The following is an entry in ClinVar:

ClinVar aggregate classification (germline): Likely benign. Review status: criteria provided, single submitter (1 of 4 stars). 2 submissions from 2 submitters: Likely benign (1). 1 of the submissions does not count toward it. Last evaluated 2023-10-14.

Conditions:
IFT172-related disorder. Also called: IFT172-related condition; IFT172-related disorders.
Retinitis pigmentosa 71 (RP71). Identifiers: Orphanet 791, MedGen C4225342, MONDO:0014618, OMIM 616394.
Short-rib thoracic dysplasia 10 with or without polydactyly (SRTD10). Identifiers: Orphanet 474, MedGen C3810175, MONDO:0014284, OMIM 615630.

Allele frequency attached by ClinVar (database versions not stated): TOPMed below 0.00001; gnomAD exomes 0.00001.
gnomAD v4.1: 17 of 1,612,906 alleles (0.0011%); highest among the groups gnomAD compares: Non-Finnish European, 0.0014%; no homozygotes.

Submissions (2):

Labcorp Genetics (formerly Invitae), Labcorp
Classification: Likely benign for Retinitis pigmentosa 71; Short-rib thoracic dysplasia 10 with or without polydactyly. Last evaluated: 2023-10-14. Review status: criteria provided, single submitter. Criteria: Invitae Variant Classification Sherloc (09022015). Collection method: clinical testing. Allele origin: germline.

PreventionGenetics, part of Exact Sciences
Classification: Likely benign for IFT172-related condition. Last evaluated: 2023-03-02. Review status: no assertion criteria provided. Collection method: clinical testing. Allele origin: germline. Not counted in ClinVar's aggregate classification.
Comment: This variant is classified as likely benign based on ACMG/AMP sequence variant interpretation guidelines (Richards et al. 2015 PMID: 25741868, with internal and published modifications).

NM_015662.3(IFT172):c.1521T>C (p.Leu507=)

Gene: IFT172 (intraflagellar transport 172; minus strand). Cytogenetic location: 2p23.3.
Variant type: single nucleotide variant.
Coding change: c.1521T>C on transcript NM_015662.3 (MANE Select); coding-DNA position 1521, T replaced by C.
Protein change: p.Leu507=; no amino-acid change (leucine 507 retained).
Molecular consequence: synonymous variant.
Genome position (GRCh38, 1-based): chr2:27,472,253, A>G on the plus strand (T>C on the coding strand, the complement: IFT172 is on the minus strand). VCF-style: chr2-27472253-A-G. GRCh37 (hg19) VCF-style: chr2-27695120-A-G.
Other names: c.1521T>C, p.Leu507= (NM_001410739.1); c.1521T>C (NM_015662.2).
Identifiers: ClinVar variation 2937667 (VCV002937667.4), dbSNP rs1296581026, ClinGen allele CA425410651.